The following is an entry in ClinVar:

ClinVar aggregate classification (germline): Uncertain significance (1 of 4 stars; one submission).

Conditions:
Birt-Hogg-Dube syndrome. Also called: Birt Hogg Dubé syndrome. Identifiers: Orphanet 122, MedGen C0346010, MONDO:0800444.

Allele frequency attached by ClinVar (database versions not stated): TOPMed 0.00001.

Submission:

Labcorp Genetics (formerly Invitae), Labcorp
Classification: Uncertain significance for Birt-Hogg-Dube syndrome. Last evaluated: 2024-09-05. Review status: criteria provided, single submitter. Criteria: Invitae Variant Classification Sherloc (09022015). Collection method: clinical testing. Allele origin: germline.
Comment: This sequence change replaces leucine, which is neutral and non-polar, with valine, which is neutral and non-polar, at codon 313 of the FLCN protein (p.Leu313Val). This variant is not present in population databases (gnomAD no frequency). This variant has not been reported in the literature in individuals affected with FLCN-related conditions. ClinVar contains an entry for this variant (Variation ID: 857899). Invitae Evidence Modeling of protein sequence and biophysical properties (such as structural, functional, and spatial information, amino acid conservation, physicochemical variation, residue mobility, and thermodynamic stability) indicates that this missense variant is not expected to disrupt FLCN protein function with a negative predictive value of 80%. In summary, the available evidence is currently insufficient to determine the role of this variant in disease. Therefore, it has been classified as a Variant of Uncertain Significance.

NM_144997.7(FLCN):c.937T>G (p.Leu313Val)

Gene: FLCN (folliculin; minus strand). Cytogenetic location: 17p11.2.
Variant type: single nucleotide variant.
Coding change: c.937T>G on transcript NM_144997.7 (MANE Select); coding-DNA position 937, T replaced by G.
Protein change: p.Leu313Val; replaces leucine 313 with valine.
Molecular consequence: missense variant.
Genome position (GRCh38, 1-based): chr17:17,219,144, A>C on the plus strand (T>G on the coding strand, the complement: FLCN is on the minus strand). VCF-style: chr17-17219144-A-C. GRCh37 (hg19) VCF-style: chr17-17122458-A-C.
Other names: c.991T>G, p.Leu331Val (NM_001353229.2); c.937T>G, p.Leu313Val (NM_001353230.2, NM_001353231.2); short protein forms L313V, L331V.
Identifiers: ClinVar variation 857899 (VCV000857899.7), dbSNP rs1432138522, ClinGen allele CA398532966.